The following is an entry in ClinVar:

NM_001367624.2(ZNF469):c.991G>C (p.Ala331Pro)

Gene: ZNF469 (zinc finger protein 469; plus strand). Cytogenetic location: 16q24.2.
Variant type: single nucleotide variant.
Coding change: c.991G>C on transcript NM_001367624.2 (MANE Select); coding-DNA position 991, G replaced by C.
Protein change: p.Ala331Pro; replaces alanine 331 with proline.
Molecular consequence: missense variant.
Genome position (GRCh38, 1-based): chr16:88,428,461, G>C. VCF-style: chr16-88428461-G-C. GRCh37 (hg19) VCF-style: chr16-88494869-G-C.
Other names: short protein forms A331P.
Identifiers: ClinVar variation 3670764 (VCV003670764.2).

ClinVar aggregate classification (germline): Uncertain significance (1 of 4 stars; one submission).

gnomAD v4.1: 1 of 1,548,738 alleles (0.000065%); highest among the groups gnomAD compares: African/African-American, 0.0014%; no homozygotes.

Submission:

Labcorp Genetics (formerly Invitae), Labcorp
Classification: Uncertain significance. Last evaluated: 2024-08-05. Review status: criteria provided, single submitter. Criteria: Invitae Variant Classification Sherloc (09022015). Collection method: clinical testing. Allele origin: germline.
Comment: This sequence change replaces alanine, which is neutral and non-polar, with proline, which is neutral and non-polar, at codon 331 of the ZNF469 protein (p.Ala331Pro). This variant is not present in population databases (gnomAD no frequency). This variant has not been reported in the literature in individuals affected with ZNF469-related conditions. An algorithm developed to predict the effect of missense changes on protein structure and function outputs the following: PolyPhen-2: "Benign". The proline amino acid residue is found in multiple mammalian species, which suggests that this missense change does not adversely affect protein function. In summary, the available evidence is currently insufficient to determine the role of this variant in disease. Therefore, it has been classified as a Variant of Uncertain Significance.